The following is an entry in ClinVar:

NM_000760.4(CSF3R):c.1787A>G (p.Tyr596Cys)

Gene: CSF3R (colony stimulating factor 3 receptor; minus strand). Cytogenetic location: 1p34.3.
Variant type: single nucleotide variant.
Coding change: c.1787A>G on transcript NM_000760.4 (MANE Select); coding-DNA position 1787, A replaced by G.
Protein change: p.Tyr596Cys; replaces tyrosine 596 with cysteine.
Molecular consequence: missense variant.
Genome position (GRCh38, 1-based): chr1:36,467,899, T>C on the plus strand (A>G on the coding strand, the complement: CSF3R is on the minus strand). VCF-style: chr1-36467899-T-C. GRCh37 (hg19) VCF-style: chr1-36933500-T-C.
Other names: c.1787A>G, p.Tyr596Cys (NM_156039.3, NM_172313.3); short protein forms Y596C.
Identifiers: ClinVar variation 4743270 (VCV004743270.1).

ClinVar aggregate classification (germline): Uncertain significance (1 of 4 stars; one submission).

Conditions:
Autosomal recessive severe congenital neutropenia due to CSF3R deficiency. Also called: Neutropenia, severe congenital, 7, autosomal recessive. Identifiers: Orphanet 420702, MedGen C4310764, MONDO:0014865, OMIM 617014.

gnomAD v4.1: 1 of 1,614,226 alleles (0.000062%); highest among the groups gnomAD compares: South Asian, 0.0011%; no homozygotes.

Submission:

Labcorp Genetics (formerly Invitae), Labcorp
Classification: Uncertain significance for Autosomal recessive severe congenital neutropenia due to CSF3R deficiency. Last evaluated: 2025-12-15. Review status: criteria provided, single submitter. Criteria: Invitae Variant Classification Sherloc (09022015). Collection method: clinical testing. Allele origin: germline.
Comment: This sequence change replaces tyrosine, which is neutral and polar, with cysteine, which is neutral and slightly polar, at codon 596 of the CSF3R protein (p.Tyr596Cys). This variant is present in population databases (rs746628452, gnomAD 0.003%). This variant has not been reported in the literature in individuals affected with CSF3R-related conditions. Invitae Evidence Modeling of protein sequence and biophysical properties (such as structural, functional, and spatial information, amino acid conservation, physicochemical variation, residue mobility, and thermodynamic stability) indicates that this missense variant is expected to disrupt CSF3R protein function with a positive predictive value of 80%. In summary, the available evidence is currently insufficient to determine the role of this variant in disease. Therefore, it has been classified as a Variant of Uncertain Significance.